The following is an entry in ClinVar:

ClinVar aggregate classification (germline): Benign (0 of 4 stars; one submission).

Conditions:
UBR4-related disorder. Also called: UBR4-related condition.

Allele frequency attached by ClinVar (database versions not stated): ESP Exome Variant Server 0.67146; TOPMed 0.69776; 1000 Genomes Project 0.71885; 1000 Genomes Project 30x 0.71908.
gnomAD v4.1: 1,014,527 of 1,613,728 alleles (63%); highest among the groups gnomAD compares: East Asian, 83%; 323,071 homozygotes.

Submission:

PreventionGenetics, part of Exact Sciences
Classification: Benign for UBR4-related condition. Last evaluated: 2019-07-08. Review status: no assertion criteria provided. Collection method: clinical testing. Allele origin: germline.
Comment: This variant is classified as benign based on ACMG/AMP sequence variant interpretation guidelines (Richards et al. 2015 PMID: 25741868, with internal and published modifications).

NM_020765.3(UBR4):c.14877T>C (p.His4959=)

Gene: UBR4 (ubiquitin protein ligase E3 component n-recognin 4; minus strand). Cytogenetic location: 1p36.13.
Variant type: single nucleotide variant.
Coding change: c.14877T>C on transcript NM_020765.3 (MANE Select); coding-DNA position 14877, T replaced by C.
Protein change: p.His4959=; no amino-acid change (histidine 4959 retained).
Molecular consequence: synonymous variant.
Genome position (GRCh38, 1-based): chr1:19,084,635, A>G on the plus strand (T>C on the coding strand, the complement: UBR4 is on the minus strand). VCF-style: chr1-19084635-A-G. GRCh37 (hg19) VCF-style: chr1-19411129-A-G.
Identifiers: ClinVar variation 3060751 (VCV003060751.2), dbSNP rs1043905, ClinGen allele CA648092.